The following is an entry in ClinVar:

ClinVar aggregate classification (germline): Uncertain significance (1 of 4 stars; one submission).

Conditions:
Inborn genetic diseases. Identifiers: MedGen C0950123, MeSH D030342.

Submission:

Ambry Genetics
Classification: Uncertain significance for Inborn genetic diseases. Last evaluated: 2026-03-17. Review status: criteria provided, single submitter. Criteria: Ambry Variant Classification Scheme 2023. Collection method: clinical testing. Allele origin: germline.
Comment: The p.V364M variant (also known as c.1090G>A), located in coding exon 9 of the KDM1A gene, results from a G to A substitution at nucleotide position 1090. The valine at codon 364 is replaced by methionine, an amino acid with highly similar properties. This amino acid position is conserved. In addition, this alteration is predicted to be deleterious by in silico analysis. Based on the available evidence, the clinical significance of this variant remains unclear.

NM_001009999.3(KDM1A):c.1090G>A (p.Val364Met)

Gene: KDM1A (lysine demethylase 1A; plus strand). Cytogenetic location: 1p36.12.
Variant type: single nucleotide variant.
Coding change: c.1090G>A on transcript NM_001009999.3 (MANE Select); coding-DNA position 1090, G replaced by A.
Protein change: p.Val364Met; replaces valine 364 with methionine.
Molecular consequence: missense variant.
Genome position (GRCh38, 1-based): chr1:23,059,090, G>A. VCF-style: chr1-23059090-G-A. GRCh37 (hg19) VCF-style: chr1-23385583-G-A.
Other names: c.1030G>A, p.Val344Met (NM_001363654.2, NM_001410763.1, NM_015013.4); c.1090G>A, p.Val364Met (NM_001410762.1); short protein forms V344M, V364M.
Identifiers: ClinVar variation 4858688 (VCV004858688.1).
Genomic context (GRCh38, chr1:23,059,090, plus strand): 5'-CTTCATAGGTCTATTGAATTTAATTGCTTGAGTTTTTTTCTAGGAGGGAATCCTATGGCT[G>A]TGGTCAGCAAACAAGTAAATATGGAACTGGCCAAGATCAAGCAAAAATGCCCACTTTATG-3'
Protein context (NP_001009999.1, residues 354-374): VTGLGGNPMA[Val364Met]VSKQVNMELA